The following is an entry in ClinVar:

ClinVar aggregate classification (germline): Uncertain significance (1 of 4 stars; one submission).

Submission:

GeneDx
Classification: Uncertain significance. Last evaluated: 2025-01-24. Review status: criteria provided, single submitter. Criteria: GeneDx Variant Classification Process June 2021. Collection method: clinical testing. Allele origin: germline. Affected: yes.
Comment: Not observed at significant frequency in large population cohorts (gnomAD); In silico analysis supports that this missense variant has a deleterious effect on protein structure/function; Has not been previously published as pathogenic or benign to our knowledge

NM_021619.3(PRDM12):c.557A>G (p.Tyr186Cys)

Gene: PRDM12 (PR/SET domain 12; plus strand). Cytogenetic location: 9q34.12.
Variant type: single nucleotide variant.
Coding change: c.557A>G on transcript NM_021619.3 (MANE Select); coding-DNA position 557, A replaced by G.
Protein change: p.Tyr186Cys; replaces tyrosine 186 with cysteine.
Molecular consequence: missense variant.
Genome position (GRCh38, 1-based): chr9:130,668,300, A>G. VCF-style: chr9-130668300-A-G. GRCh37 (hg19) VCF-style: chr9-133543687-A-G.
Other names: short protein forms Y186C.
Identifiers: ClinVar variation 4072534 (VCV004072534.1).
Genomic context (GRCh38, chr9:130,668,300, plus strand): 5'-GTGCACGTAACGAACAGGAGCAGAACCTGGAGGTGGTCCAGATCGGCACCAGCATCTTCT[A>G]CAAGGCCATTGAGGTGTGTGTGTGTGTGTGCACTGTTGTGTAGGGACCAGCCGGTAAACC-3'
Protein context (NP_067632.2, residues 176-196): EVVQIGTSIF[Tyr186Cys]KAIEMIPPDQ